The following is an entry in ClinVar:

ClinVar aggregate classification (germline): Uncertain significance (1 of 4 stars; one submission).

Allele frequency attached by ClinVar (database versions not stated): gnomAD 0.00001; gnomAD exomes 0.00001.
gnomAD v4.1: 8 of 1,613,766 alleles (0.0005%); highest among the groups gnomAD compares: East Asian, 0.013%; no homozygotes.

Submission:

Labcorp Genetics (formerly Invitae), Labcorp
Classification: Uncertain significance. Last evaluated: 2022-02-25. Review status: criteria provided, single submitter. Criteria: Invitae Variant Classification Sherloc (09022015). Collection method: clinical testing. Allele origin: germline.
Comment: In summary, the available evidence is currently insufficient to determine the role of this variant in disease. Therefore, it has been classified as a Variant of Uncertain Significance. Algorithms developed to predict the effect of missense changes on protein structure and function are either unavailable or do not agree on the potential impact of this missense change (SIFT: "Deleterious"; PolyPhen-2: "Benign"; Align-GVGD: "Class C0"). This variant has not been reported in the literature in individuals affected with SLC24A1-related conditions. This variant is present in population databases (no rsID available, gnomAD 0.03%). This sequence change replaces isoleucine, which is neutral and non-polar, with methionine, which is neutral and non-polar, at codon 60 of the SLC24A1 protein (p.Ile60Met).

NM_004727.3(SLC24A1):c.180A>G (p.Ile60Met)

Gene: SLC24A1 (solute carrier family 24 member 1; plus strand). Cytogenetic location: 15q22.31.
Variant type: single nucleotide variant.
Coding change: c.180A>G on transcript NM_004727.3 (MANE Select); coding-DNA position 180, A replaced by G.
Protein change: p.Ile60Met; replaces isoleucine 60 with methionine.
Molecular consequence: missense variant.
Genome position (GRCh38, 1-based): chr15:65,624,260, A>G. VCF-style: chr15-65624260-A-G. GRCh37 (hg19) VCF-style: chr15-65916598-A-G.
Other names: c.180A>G, p.Ile60Met (NM_001301031.1, NM_001301032.1, NM_001301033.2 and 1 more transcripts); short protein forms I60M.
Identifiers: ClinVar variation 1909030 (VCV001909030.5), dbSNP rs1297958997, ClinGen allele CA392912592.